The following is an entry in ClinVar:

ClinVar aggregate classification (germline): Likely pathogenic (1 of 4 stars; one submission).

Conditions:
Neurofibromatosis, type 1 (NF1). Also called: Peripheral type neurofibromatosis; VON RECKLINGHAUSEN DISEASE; NEUROFIBROMATOSIS, TYPE I, SOMATIC; Neurofibromatosis, type I. Identifiers: Orphanet 636, MedGen C0027831, MONDO:0018975, OMIM 162200. Disease mechanism: loss of function.

Submission:

Labcorp Genetics (formerly Invitae), Labcorp
Classification: Likely pathogenic for Neurofibromatosis, type 1. Last evaluated: 2022-06-02. Review status: criteria provided, single submitter. Criteria: Invitae Variant Classification Sherloc (09022015). Collection method: clinical testing. Allele origin: germline.
Comment: In summary, the currently available evidence indicates that the variant is pathogenic, but additional data are needed to prove that conclusively. Therefore, this variant has been classified as Likely Pathogenic. This variant has not been reported in the literature in individuals affected with NF1-related conditions. This variant results in a copy number gain of the genomic region encompassing exon(s) 13-24 of the NF1 gene. While the exact position of this variant cannot be determined from the data, sub-genic copy number gains are generally in tandem (PMID: 25640679). This variant is predicted to be out-of-frame, and may result in an absent or disrupted protein product. Loss-of-function variants in NF1 are known to be pathogenic (PMID: 10712197, 23913538).

Literature cited by the submitters: PubMed 25640679; PubMed 10712197; PubMed 23913538.

NC_000017.10:g.(?_29541449)_(29557963_?)dup

Gene: NF1 (neurofibromin 1; plus strand). Cytogenetic location: 17q11.2.
Variant type: Duplication.
Identifiers: ClinVar variation 2422734 (VCV002422734.4).